The following is an entry in ClinVar:

ClinVar aggregate classification (germline): Uncertain significance (1 of 4 stars; one submission).

Conditions:
Accelerated tumor formation, susceptibility to (ACTFS). Identifiers: MedGen C3280690, OMIM 614401, MONDO:0013733.

Allele frequency attached by ClinVar (database versions not stated): gnomAD exomes 0.00002 and 0.00003; ExAC 0.00004; ESP Exome Variant Server 0.00008; gnomAD 0.00020 and 0.00021; TOPMed 0.00020; 1000 Genomes Project 0.00060; 1000 Genomes Project 30x 0.00062.
gnomAD v4.1: 61 of 1,613,872 alleles (0.0038%); highest among the groups gnomAD compares: African/African-American, 0.071%; no homozygotes.

Submission:

Labcorp Genetics (formerly Invitae), Labcorp
Classification: Uncertain significance for Accelerated tumor formation, susceptibility to. Last evaluated: 2025-12-03. Review status: criteria provided, single submitter. Criteria: Invitae Variant Classification Sherloc (09022015). Collection method: clinical testing. Allele origin: germline.
Comment: This sequence change replaces aspartic acid, which is acidic and polar, with glycine, which is neutral and non-polar, at codon 179 of the MDM2 protein (p.Asp179Gly). This variant is present in population databases (rs138567205, gnomAD 0.05%). This variant has not been reported in the literature in individuals affected with MDM2-related conditions. ClinVar contains an entry for this variant (Variation ID: 1482898). An algorithm developed to predict the effect of missense changes on protein structure and function (PolyPhen-2) suggests that this variant is likely to be disruptive. In summary, the available evidence is currently insufficient to determine the role of this variant in disease. Therefore, it has been classified as a Variant of Uncertain Significance.

NM_002392.6(MDM2):c.536A>G (p.Asp179Gly)

Gene: MDM2 (MDM2 proto-oncogene; plus strand). Cytogenetic location: 12q15.
Variant type: single nucleotide variant.
Coding change: c.536A>G on transcript NM_002392.6 (MANE Select); coding-DNA position 536, A replaced by G.
Protein change: p.Asp179Gly; replaces aspartic acid 179 with glycine.
Molecular consequence: missense variant. On other transcripts: intron variant (2).
Genome position (GRCh38, 1-based): chr12:68,828,783, A>G. VCF-style: chr12-68828783-A-G. GRCh37 (hg19) VCF-style: chr12-69222563-A-G.
Other names: c.518A>G, p.Asp173Gly (NM_001145337.3, NM_001367990.1); c.371A>G, p.Asp124Gly (NM_001145339.2); c.157-7046A>G (NM_001278462.2, NM_001145340.3); short protein forms D179G, D124G, D173G.
Identifiers: ClinVar variation 1482898 (VCV001482898.8), dbSNP rs138567205, ClinGen allele CA6678716.